The following is an entry in ClinVar:

NM_001257293.2(HNRNPH1):c.61T>C (p.Ser21Pro)

Genes: HNRNPH1 (heterogeneous nuclear ribonucleoprotein H1; minus strand), LOC128966623 (uncharacterized protein C5orf60; plus strand). Cytogenetic location: 5q35.3.
Variant type: single nucleotide variant.
Coding change: c.61T>C on transcript NM_001257293.2 (MANE Select); coding-DNA position 61, T replaced by C.
Protein change: p.Ser21Pro; replaces serine 21 with proline.
Molecular consequence: missense variant. On other transcripts: 5 prime UTR variant (5).
Genome position (GRCh38, 1-based): chr5:179,623,073, A>G on the plus strand (T>C on the coding strand, the complement: HNRNPH1 is on the minus strand). VCF-style: chr5-179623073-A-G. GRCh37 (hg19) VCF-style: chr5-179050074-A-G.
Other names: c.61T>C, p.Ser21Pro (NM_001363572.2, NM_001364225.2, NM_001364226.2 and 24 more transcripts); c.-404T>C (NM_001364251.2, NM_001364252.2, NM_001364253.2 and 2 more transcripts); short protein forms S21P.
Identifiers: ClinVar variation 1313908 (VCV001313908.2), dbSNP rs2127710126, ClinGen allele CA362440833.

ClinVar aggregate classification (germline): Uncertain significance (1 of 4 stars; one submission).

Submission:

GeneDx
Classification: Uncertain significance. Last evaluated: 2021-01-20. Review status: criteria provided, single submitter. Criteria: GeneDx Variant Classification Process June 2021. Collection method: clinical testing. Allele origin: germline. Affected: yes.
Comment: Not observed in large population cohorts (Lek et al., 2016); In silico analysis supports that this missense variant has a deleterious effect on protein structure/function; Has not been previously published as pathogenic or benign to our knowledge